The following is an entry in ClinVar:

ClinVar aggregate classification (germline): Likely benign (1 of 4 stars; one submission).

Allele frequency attached by ClinVar (database versions not stated): gnomAD 0.00072; ESP Exome Variant Server 0.00077; 1000 Genomes Project 0.00080; TOPMed 0.00086; gnomAD exomes 0.00090; 1000 Genomes Project 30x 0.00094; ExAC 0.00112.
gnomAD v4.1: 1,444 of 1,611,440 alleles (0.09%); highest among the groups gnomAD compares: Non-Finnish European, 0.11%; 2 homozygotes.

Submission:

CeGaT Center for Human Genetics Tuebingen
Classification: Likely benign. Last evaluated: 2024-07-01. Review status: criteria provided, single submitter. Criteria: CeGaT Center For Human Genetics Tuebingen Variant Classification Criteria Version 2. Collection method: clinical testing. Allele origin: germline. Affected: yes. Observed: 1 variant allele.
Comment: HSPA4: BP4, BP7

NM_002154.4(HSPA4):c.1833G>A (p.Glu611=)

Gene: HSPA4 (heat shock protein family A (Hsp70) member 4; plus strand). Cytogenetic location: 5q31.1.
Variant type: single nucleotide variant.
Coding change: c.1833G>A on transcript NM_002154.4 (MANE Select); coding-DNA position 1833, G replaced by A.
Protein change: p.Glu611=; no amino-acid change (glutamic acid 611 retained).
Molecular consequence: synonymous variant.
Genome position (GRCh38, 1-based): chr5:133,097,190, G>A. VCF-style: chr5-133097190-G-A. GRCh37 (hg19) VCF-style: chr5-132432882-G-A.
Identifiers: ClinVar variation 3250516 (VCV003250516.18), dbSNP rs36009159.